The following is an entry in ClinVar:

NM_006929.5(SKIC2):c.3121C>T (p.Arg1041Cys)

Gene: SKIC2 (SKI2 subunit of superkiller complex; plus strand). Cytogenetic location: 6p21.33.
Variant type: single nucleotide variant.
Coding change: c.3121C>T on transcript NM_006929.5 (MANE Select); coding-DNA position 3121, C replaced by T.
Protein change: p.Arg1041Cys; replaces arginine 1041 with cysteine.
Molecular consequence: missense variant.
Genome position (GRCh38, 1-based): chr6:31,968,737, C>T. VCF-style: chr6-31968737-C-T. GRCh37 (hg19) VCF-style: chr6-31936514-C-T.
Other names: c.3121C>T (NM_006929.4); short protein forms R1041C.
Identifiers: ClinVar variation 1441142 (VCV001441142.29), dbSNP rs143205619, ClinGen allele CA3729977.
Genomic context (GRCh38, chr6:31,968,737, plus strand): 5'-TCTCTGCAGTACCTGAAGCTGCGGGAGCGAATGCAGATACAGAAGGAGATGGAGCGGCTG[C>T]GCTTCCTACTGTCGGATCAGTCATTGCTGCTGCTTCCTGAGTACCATCAGCGAGTAGAGG-3'
Protein context (NP_008860.4, residues 1031-1051): MQIQKEMERL[Arg1041Cys]FLLSDQSLLL

ClinVar aggregate classification (germline): Uncertain significance. Review status: criteria provided, multiple submitters, no conflicts (2 of 4 stars). 3 submissions from 3 submitters: Uncertain significance (3). Last evaluated 2023-01-01.

Conditions:
Inborn genetic diseases. Identifiers: MedGen C0950123, MeSH D030342.

Allele frequency attached by ClinVar (database versions not stated): TOPMed 0.00009; gnomAD 0.00010; ExAC 0.00011; gnomAD exomes 0.00012 and 0.00013; ESP Exome Variant Server 0.00024.
gnomAD v4.1: 190 of 1,612,768 alleles (0.012%); highest among the groups gnomAD compares: Non-Finnish European, 0.015%; no homozygotes.

Submissions (3):

CeGaT Center for Human Genetics Tuebingen
Classification: Uncertain significance. Last evaluated: 2023-01-01. Review status: criteria provided, single submitter. Criteria: CeGaT Center For Human Genetics Tuebingen Variant Classification Criteria Version 2. Collection method: clinical testing. Allele origin: germline. Affected: yes. Observed: 1 variant allele.
Comment: SKIC2: PM2, BP4

Labcorp Genetics (formerly Invitae), Labcorp
Classification: Uncertain significance. Last evaluated: 2022-08-31. Review status: criteria provided, single submitter. Criteria: Invitae Variant Classification Sherloc (09022015). Collection method: clinical testing. Allele origin: germline.
Comment: This sequence change replaces arginine, which is basic and polar, with cysteine, which is neutral and slightly polar, at codon 1041 of the SKIV2L protein (p.Arg1041Cys). This variant is present in population databases (rs143205619, gnomAD 0.03%). This variant has not been reported in the literature in individuals affected with SKIV2L-related conditions. ClinVar contains an entry for this variant (Variation ID: 1441142). Algorithms developed to predict the effect of missense changes on protein structure and function are either unavailable or do not agree on the potential impact of this missense change (SIFT: "Deleterious"; PolyPhen-2: "Possibly Damaging"; Align-GVGD: "Class C15"). In summary, the available evidence is currently insufficient to determine the role of this variant in disease. Therefore, it has been classified as a Variant of Uncertain Significance.

Ambry Genetics
Classification: Uncertain significance for Inborn genetic diseases. Last evaluated: 2021-09-17. Review status: criteria provided, single submitter. Criteria: Ambry Variant Classification Scheme 2023. Collection method: clinical testing. Allele origin: germline.